The following is an entry in ClinVar:

ClinVar aggregate classification (germline): Likely benign (1 of 4 stars; one submission).

Submission:

CeGaT Center for Human Genetics Tuebingen
Classification: Likely benign. Last evaluated: 2025-08-01. Review status: criteria provided, single submitter. Criteria: CeGaT Center For Human Genetics Tuebingen Variant Classification Criteria Version 2. Collection method: clinical testing. Allele origin: germline. Affected: yes. Observed: 1 variant allele.
Comment: PHOX2B: PM2:Supporting, BP4, BP7

NM_003924.4(PHOX2B):c.636A>C (p.Gly212=)

Gene: PHOX2B (paired like homeobox 2B; minus strand). Cytogenetic location: 4p13.
Variant type: single nucleotide variant.
Coding change: c.636A>C on transcript NM_003924.4 (MANE Select); coding-DNA position 636, A replaced by C.
Protein change: p.Gly212=; no amino-acid change (glycine 212 retained).
Molecular consequence: synonymous variant.
Genome position (GRCh38, 1-based): chr4:41,746,116, T>G on the plus strand (A>C on the coding strand, the complement: PHOX2B is on the minus strand). VCF-style: chr4-41746116-T-G. GRCh37 (hg19) VCF-style: chr4-41748133-T-G.
Identifiers: ClinVar variation 4084797 (VCV004084797.8).